The following is an entry in ClinVar:

NM_004187.5(KDM5C):c.1712T>G (p.Met571Arg)

Gene: KDM5C (lysine demethylase 5C; minus strand). Cytogenetic location: Xp11.22.
Variant type: single nucleotide variant.
Coding change: c.1712T>G on transcript NM_004187.5 (MANE Select); coding-DNA position 1712, T replaced by G.
Protein change: p.Met571Arg; replaces methionine 571 with arginine.
Molecular consequence: missense variant. On other transcripts: non-coding transcript variant (3).
Genome position (GRCh38, 1-based): chrX:53,210,448, A>C on the plus strand (T>G on the coding strand, the complement: KDM5C is on the minus strand). VCF-style: chrX-53210448-A-C. GRCh37 (hg19) VCF-style: chrX-53239630-A-C.
Other names: c.1511T>G, p.Met504Arg (NM_001146702.2); c.1709T>G, p.Met570Arg (NM_001282622.3, NM_001353979.2, NM_001353982.2); c.1712T>G, p.Met571Arg (NM_001353978.3, NM_001353981.2, NM_001353984.2); short protein forms M504R, M570R, M571R.
Identifiers: ClinVar variation 3250972 (VCV003250972.18), dbSNP rs2519506347.

ClinVar aggregate classification (germline): Uncertain significance (1 of 4 stars; one submission).

Submission:

CeGaT Center for Human Genetics Tuebingen
Classification: Uncertain significance. Last evaluated: 2024-07-01. Review status: criteria provided, single submitter. Criteria: CeGaT Center For Human Genetics Tuebingen Variant Classification Criteria Version 2. Collection method: clinical testing. Allele origin: germline. Affected: yes. Observed: 1 variant allele.
Comment: KDM5C: PM2, PP2, PP3